The following is an entry in ClinVar:

NM_025216.3(WNT10A):c.640T>C (p.Cys214Arg)

Gene: WNT10A (Wnt family member 10A; plus strand). Cytogenetic location: 2q35.
Variant type: single nucleotide variant.
Coding change: c.640T>C on transcript NM_025216.3 (MANE Select); coding-DNA position 640, T replaced by C.
Protein change: p.Cys214Arg; replaces cysteine 214 with arginine.
Molecular consequence: missense variant.
Genome position (GRCh38, 1-based): chr2:218,890,247, T>C. VCF-style: chr2-218890247-T-C. GRCh37 (hg19) VCF-style: chr2-219754969-T-C.
Other names: short protein forms C214R.
Identifiers: ClinVar variation 2943998 (VCV002943998.3), dbSNP rs2470313085, ClinGen allele CA350586864.

ClinVar aggregate classification (germline): Uncertain significance (1 of 4 stars; one submission).

Conditions:
Odonto-onycho-dermal dysplasia. Identifiers: Orphanet 2721, MedGen C0796093, MONDO:0009773, OMIM 257980.
Tooth agenesis, selective, 4 (STHAG4). Also called: LATERAL INCISORS, ABSENCE OF; LATERAL INCISORS, PEGGED OR MISSING; SUCCEDANEOUS TEETH, AGENESIS OF; TOOTH AGENESIS, SELECTIVE, 4, WITH OR WITHOUT ECTODERMAL DYSPLASIA. Identifiers: Orphanet 99798, MedGen C1835492, MONDO:0007881, OMIM 150400. Disease mechanism: loss of function.

Allele frequency attached by ClinVar (database versions not stated): gnomAD exomes below 0.00001.

Submission:

Labcorp Genetics (formerly Invitae), Labcorp
Classification: Uncertain significance for Tooth agenesis, selective, 4; Odonto-onycho-dermal dysplasia. Last evaluated: 2023-06-07. Review status: criteria provided, single submitter. Criteria: Invitae Variant Classification Sherloc (09022015). Collection method: clinical testing. Allele origin: germline.
Comment: This sequence change replaces cysteine, which is neutral and slightly polar, with arginine, which is basic and polar, at codon 214 of the WNT10A protein (p.Cys214Arg). This variant is not present in population databases (gnomAD no frequency). This variant has not been reported in the literature in individuals affected with WNT10A-related conditions. Advanced modeling of protein sequence and biophysical properties (such as structural, functional, and spatial information, amino acid conservation, physicochemical variation, residue mobility, and thermodynamic stability) performed at Invitae indicates that this missense variant is expected to disrupt WNT10A protein function. In summary, the available evidence is currently insufficient to determine the role of this variant in disease. Therefore, it has been classified as a Variant of Uncertain Significance.